The following is an entry in ClinVar:

ClinVar aggregate classification (germline): Benign. Review status: criteria provided, multiple submitters, no conflicts (2 of 4 stars). 2 submissions from 2 submitters: Benign (2). Last evaluated 2018-01-13.

Conditions:
Hereditary factor XI deficiency disease. Also called: PLASMA THROMBOPLASTIN ANTECEDENT DEFICIENCY; PTA DEFICIENCY; ROSENTHAL SYNDROME; Congenital factor XI deficiency. Identifiers: Orphanet 329, MedGen C0015523, MeSH D005173, MONDO:0012897, OMIM 612416.

Allele frequency attached by ClinVar (database versions not stated): TOPMed 0.15841; gnomAD 0.16213 and 0.16273; 1000 Genomes Project 0.17033; 1000 Genomes Project 30x 0.17317.
gnomAD v4.1: 24,691 of 152,086 alleles (16%); highest among the groups gnomAD compares: Middle Eastern, 24%; 2,144 homozygotes.

Submissions (2):

Illumina Laboratory Services, Illumina
Classification: Benign for Hereditary factor XI deficiency disease. Last evaluated: 2018-01-13. Review status: criteria provided, single submitter. Criteria: ICSL Variant Classification Criteria 13 December 2019. Collection method: clinical testing. Allele origin: germline.
Comment: This variant was observed in the ICSL laboratory as part of a predisposition screen in an ostensibly healthy population. It had not been previously curated by ICSL or reported in the Human Gene Mutation Database (HGMD: prior to June 1st, 2018), and was therefore a candidate for classification through an automated scoring system. Utilizing variant allele frequency, disease prevalence and penetrance estimates, and inheritance mode, an automated score was calculated to assess if this variant is too frequent to cause the disease. Based on the score and internal cut-off values, a variant classified as benign is not then subjected to further curation. The score for this variant resulted in a classification of benign for this disease.

Breakthrough Genomics
Classification: Benign. Review status: criteria provided, single submitter. Criteria: ACMG Guidelines, 2015. Collection method: not provided. Allele origin: germline. Inheritance: Unknown mechanism. Affected: yes.

NM_000128.4(F11):c.*852G>A

Genes: F11 (coagulation factor XI; plus strand), F11-AS1 (F11 antisense RNA 1; minus strand). Cytogenetic location: 4q35.2.
Variant type: single nucleotide variant.
Coding change: c.*852G>A on transcript NM_000128.4 (MANE Select); 852 bases downstream of the stop codon, G replaced by A.
Molecular consequence: 3 prime UTR variant.
Genome position (GRCh38, 1-based): chr4:186,289,466, G>A. VCF-style: chr4-186289466-G-A. GRCh37 (hg19) VCF-style: chr4-187210620-G-A.
Identifiers: ClinVar variation 348391 (VCV000348391.6), dbSNP rs4253431, ClinGen allele CA10617558.